The following is an entry in ClinVar:

NM_015559.3(SETBP1):c.194C>T (p.Ser65Leu)

Gene: SETBP1 (SET binding protein 1; plus strand). Cytogenetic location: 18q12.3.
Variant type: single nucleotide variant.
Coding change: c.194C>T on transcript NM_015559.3 (MANE Select); coding-DNA position 194, C replaced by T.
Protein change: p.Ser65Leu; replaces serine 65 with leucine.
Molecular consequence: missense variant.
Genome position (GRCh38, 1-based): chr18:44,701,540, C>T. VCF-style: chr18-44701540-C-T. GRCh37 (hg19) VCF-style: chr18-42281505-C-T.
Other names: c.194C>T, p.Ser65Leu (NM_001130110.2, NM_001379141.1, NM_001379142.1 and 1 more transcripts); short protein forms S65L.
Identifiers: ClinVar variation 1801196 (VCV001801196.1), dbSNP rs2511332776, ClinGen allele CA402481633.

ClinVar aggregate classification (germline): Uncertain significance (1 of 4 stars; one submission).

Allele frequency attached by ClinVar (database versions not stated): gnomAD exomes below 0.00001.
gnomAD v4.1: 2 of 1,614,112 alleles (0.00012%); highest among the groups gnomAD compares: Non-Finnish European, 0.00017%; no homozygotes.

Submission:

GeneDx
Classification: Uncertain significance. Last evaluated: 2022-05-26. Review status: criteria provided, single submitter. Criteria: GeneDx Variant Classification Process June 2021. Collection method: clinical testing. Allele origin: germline. Affected: yes.
Comment: Not observed at significant frequency in large population cohorts (gnomAD); In silico analysis supports that this missense variant has a deleterious effect on protein structure/function; Has not been previously published as pathogenic or benign to our knowledge